The following is an entry in ClinVar:

ClinVar aggregate classification (germline): Uncertain significance (1 of 4 stars; one submission).

Conditions:
Hypertrophic cardiomyopathy. Also called: HYPERTROPHIC MYOCARDIOPATHY. Identifiers: Orphanet 217569, MedGen C0007194, MeSH D002312, MONDO:0005045, HP:0001639.

Submission:

Labcorp Genetics (formerly Invitae), Labcorp
Classification: Uncertain significance for Hypertrophic cardiomyopathy. Last evaluated: 2023-12-15. Review status: criteria provided, single submitter. Criteria: Invitae Variant Classification Sherloc (09022015). Collection method: clinical testing. Allele origin: germline.
Comment: This sequence change falls in intron 12 of the MYBPC3 gene. It does not directly change the encoded amino acid sequence of the MYBPC3 protein. This variant is not present in population databases (gnomAD no frequency). This variant has not been reported in the literature in individuals affected with MYBPC3-related conditions. Algorithms developed to predict the effect of sequence changes on RNA splicing suggest that this variant may disrupt the consensus splice site. In summary, the available evidence is currently insufficient to determine the role of this variant in disease. Therefore, it has been classified as a Variant of Uncertain Significance.

NM_000256.3(MYBPC3):c.1091-17T>G

Gene: MYBPC3 (myosin binding protein C3; minus strand). Cytogenetic location: 11p11.2.
Variant type: single nucleotide variant.
Coding change: c.1091-17T>G on transcript NM_000256.3 (MANE Select); 17 bases into the intron before coding-DNA position 1091, T replaced by G.
Molecular consequence: intron variant.
Genome position (GRCh38, 1-based): chr11:47,343,641, A>C on the plus strand (T>G on the coding strand, the complement: MYBPC3 is on the minus strand). VCF-style: chr11-47343641-A-C. GRCh37 (hg19) VCF-style: chr11-47365192-A-C.
Identifiers: ClinVar variation 2848685 (VCV002848685.3), dbSNP rs2495765922, ClinGen allele CA2739265951.
Genomic context (GRCh38, chr11:47,343,641, plus strand): 5'-GCCTTTGCTCACCTGGTAGGCCGGCTCCAGCTTCTTCTGAAAGGCTGAGCACCACCCCTC[A>C]GCCCCGGCCACCCCACCGCCCGCACCCTGCTCCCCCAGGCCAAGCTACTGTGGCTGTGGC-3'